The following is an entry in ClinVar:

NM_007294.4(BRCA1):c.3227G>A (p.Arg1076Lys)

Genes: BRCA1 (BRCA1 DNA repair associated; minus strand), LOC126862571 (BRD4-independent group 4 enhancer GRCh37_chr17:41243136-41244335; plus strand). Cytogenetic location: 17q21.31.
Variant type: single nucleotide variant.
Coding change: c.3227G>A on transcript NM_007294.4 (MANE Select); coding-DNA position 3227, G replaced by A.
Protein change: p.Arg1076Lys; replaces arginine 1076 with lysine.
Molecular consequence: missense variant. On other transcripts: intron variant (137).
Genome position (GRCh38, 1-based): chr17:43,092,304, C>T on the plus strand (G>A on the coding strand, the complement: BRCA1 is on the minus strand). VCF-style: chr17-43092304-C-T. GRCh37 (hg19) VCF-style: chr17-41244321-C-T.
Other names: c.3101G>A, p.Arg1034Lys (NM_001407689.1, NM_001407690.1, NM_001407691.1 and 11 more transcripts); c.3086G>A, p.Arg1029Lys (NM_001407692.1, NM_001407694.1, NM_001407695.1 and 29 more transcripts); c.3083G>A, p.Arg1028Lys (NM_001407740.1, NM_001407741.1, NM_001407742.1 and 20 more transcripts); c.3014G>A, p.Arg1005Lys (NM_001407853.1, NM_001407894.1, NM_001407895.1 and 9 more transcripts); c.3227G>A, p.Arg1076Lys (NM_001407854.1, NM_001407858.1, NM_001407859.1 and 30 more transcripts); c.3224G>A, p.Arg1075Lys (NM_001407860.1, NM_001407861.1, NM_001407587.1 and 22 more transcripts); c.3026G>A, p.Arg1009Lys (NM_001407862.1); c.3104G>A, p.Arg1035Lys (NM_001407863.1, NM_001407919.1, NM_001407939.1 and 19 more transcripts); and 41 more; short protein forms R1009K, R1034K, R1076K, R964K, R987K, R988K, R1005K, R1006K.
Identifiers: ClinVar variation 1729137 (VCV001729137.5), dbSNP rs80357313, ClinGen allele CA10595529.

ClinVar aggregate classification (germline): Conflicting classifications of pathogenicity. Review status: criteria provided, conflicting classifications (1 of 4 stars). 3 submissions from 3 submitters: Uncertain significance (1); Likely benign (2). Last evaluated 2025-07-07.

Conditions:
Hereditary cancer-predisposing syndrome. Also called: Neoplastic Syndromes, Hereditary; Tumor predisposition; Hereditary neoplastic syndrome; Hereditary Cancer Syndrome. Identifiers: Orphanet 140162, MedGen C0027672, MeSH D009386, MONDO:0015356.
Breast-ovarian cancer, familial, susceptibility to, 1 (BROVCA1). Also called: OVARIAN CANCER, SUSCEPTIBILITY TO; BRCA1 Hereditary Breast and Ovarian Cancer. Identifiers: Orphanet 145, MedGen C2676676, MONDO:0011450, OMIM 604370. Disease mechanism: loss of function.

Submissions (3):

Myriad Genetics, Inc.
Classification: Likely benign for Breast-ovarian cancer, familial, susceptibility to, 1. Last evaluated: 2025-07-07. Review status: criteria provided, single submitter. Criteria: Myriad Autosomal Dominant, Autosomal Recessive and X-Linked Classification Criteria (2023). Collection method: clinical testing. Allele origin: unknown.
Comment: This variant is considered likely benign. This variant is strongly associated with less severe personal and family histories of cancer, typical for individuals without pathogenic variants in this gene [PMID: 25085752].

University of Washington Department of Laboratory Medicine, University of Washington
Classification: Likely benign for Hereditary cancer-predisposing syndrome. Last evaluated: 2023-03-23. Review status: criteria provided, single submitter. Criteria: Dines et al. (Genet Med. 2020). Collection method: curation. Allele origin: germline.
Comment: Missense variant in a coldspot region where missense variants are very unlikely to be pathogenic (PMID:31911673).

BRCA1 coldspot (exon 11 using historical exon numbering). Reclassification based on statistical prior probability

Ambry Genetics
Classification: Uncertain significance for Hereditary cancer-predisposing syndrome. Last evaluated: 2021-09-03. Review status: criteria provided, single submitter. Criteria: Ambry Variant Classification Scheme 2023. Collection method: clinical testing. Allele origin: germline.
Comment: The p.R1076K variant (also known as c.3227G>A), located in coding exon 9 of the BRCA1 gene, results from a G to A substitution at nucleotide position 3227. The arginine at codon 1076 is replaced by lysine, an amino acid with highly similar properties. This amino acid position is not well conserved in available vertebrate species. In addition, the in silico prediction for this alteration is inconclusive. Since supporting evidence is limited at this time, the clinical significance of this alteration remains unclear.

Literature cited by the submitters: PubMed 25085752 (cited by Myriad Genetics, Inc.).